The following is an entry in ClinVar:

ClinVar aggregate classification (germline): Uncertain significance (1 of 4 stars; one submission).

Submission:

Labcorp Genetics (formerly Invitae), Labcorp
Classification: Uncertain significance. Last evaluated: 2025-10-21. Review status: criteria provided, single submitter. Criteria: Invitae Variant Classification Sherloc (09022015). Collection method: clinical testing. Allele origin: germline.
Comment: This sequence change replaces glycine, which is neutral and non-polar, with valine, which is neutral and non-polar, at codon 944 of the MYO3A protein (p.Gly944Val). This variant is not present in population databases (gnomAD no frequency). This variant has not been reported in the literature in individuals affected with MYO3A-related conditions. Invitae Evidence Modeling of protein sequence and biophysical properties (such as structural, functional, and spatial information, amino acid conservation, physicochemical variation, residue mobility, and thermodynamic stability) indicates that this missense variant is expected to disrupt MYO3A protein function with a positive predictive value of 80%. In summary, the available evidence is currently insufficient to determine the role of this variant in disease. Therefore, it has been classified as a Variant of Uncertain Significance.

NM_017433.5(MYO3A):c.2831G>T (p.Gly944Val)

Gene: MYO3A (myosin IIIA; plus strand). Cytogenetic location: 10p12.1.
Variant type: single nucleotide variant.
Coding change: c.2831G>T on transcript NM_017433.5 (MANE Select); coding-DNA position 2831, G replaced by T.
Protein change: p.Gly944Val; replaces glycine 944 with valine.
Molecular consequence: missense variant.
Genome position (GRCh38, 1-based): chr10:26,157,347, G>T. VCF-style: chr10-26157347-G-T. GRCh37 (hg19) VCF-style: chr10-26446276-G-T.
Other names: short protein forms G944V.
Identifiers: ClinVar variation 4693682 (VCV004693682.1).